The following is an entry in ClinVar:

NM_054012.4(ASS1):c.839G>T (p.Gly280Val)

Gene: ASS1 (argininosuccinate synthase 1; plus strand). Cytogenetic location: 9q34.11.
Variant type: single nucleotide variant.
Coding change: c.839G>T on transcript NM_054012.4 (MANE Select); coding-DNA position 839, G replaced by T.
Protein change: p.Gly280Val; replaces glycine 280 with valine.
Molecular consequence: missense variant.
Genome position (GRCh38, 1-based): chr9:130,489,333, G>T. VCF-style: chr9-130489333-G-T. GRCh37 (hg19) VCF-style: chr9-133364720-G-T.
Other names: c.839G>T, p.Gly280Val (NM_000050.4); short protein forms G280V.
Identifiers: ClinVar variation 458675 (VCV000458675.8), dbSNP rs754062242, ClinGen allele CA375230442.
Genomic context (GRCh38, chr9:130,489,333, plus strand): 5'-TTGGGTTTCATGCGTTTCTCTCTTTTTTCTCCTTTTCCCCCTGCCTGGAAAAATGGCTAG[G>T]TATCTACGAGACCCCAGCAGGCACCATCCTTTACCATGCTCATTTAGACATCGAGGCCTT-3'
Protein context (NP_446464.1, residues 270-290): ENRFIGMKSR[Gly280Val]IYETPAGTIL

ClinVar aggregate classification (germline): Uncertain significance (1 of 4 stars; one submission).

Conditions:
Citrullinemia. Identifiers: Orphanet 187, MedGen C0175683, MONDO:0015991.

Submission:

Labcorp Genetics (formerly Invitae), Labcorp
Classification: Uncertain significance for Citrullinemia. Last evaluated: 2016-09-22. Review status: criteria provided, single submitter. Criteria: Invitae Variant Classification Sherloc (09022015). Collection method: clinical testing. Allele origin: germline.
Comment: In summary, this variant is a novel missense change with uncertain impact on protein function. It has been classified as a Variant of Uncertain Significance. Algorithms developed to predict the effect of missense changes on protein structure and function do not agree on the potential impact of this missense change (SIFT: "Deleterious"; PolyPhen-2: "Probably Damaging"; Align-GVGD: "Class C0"). This variant is not present in population databases (ExAC no frequency) and has not been reported in the literature in individuals with a ASS1-related disease. This sequence change replaces glycine with valine at codon 280 of the ASS1 protein (p.Gly280Val). The glycine residue is highly conserved and there is a moderate physicochemical difference between glycine and valine.